The following is an entry in ClinVar:

NM_014975.3(MAST1):c.625G>C (p.Val209Leu)

Genes: MAST1 (microtubule associated serine/threonine kinase 1; plus strand), LOC117125587 (CRISPRi-FlowFISH-validated KLF1 and PRDX2 regulatory element; plus strand). Cytogenetic location: 19p13.13.
Variant type: single nucleotide variant.
Coding change: c.625G>C on transcript NM_014975.3 (MANE Select); coding-DNA position 625, G replaced by C.
Protein change: p.Val209Leu; replaces valine 209 with leucine.
Molecular consequence: missense variant.
Genome position (GRCh38, 1-based): chr19:12,847,908, G>C. VCF-style: chr19-12847908-G-C. GRCh37 (hg19) VCF-style: chr19-12958722-G-C.
Other names: short protein forms V209L.
Identifiers: ClinVar variation 2506697 (VCV002506697.1), dbSNP rs1969916617, ClinGen allele CA404261275.
Genomic context (GRCh38, chr19:12,847,908, plus strand): 5'-GCCACTGCGCAGATGGAGGAGAAGCTGCGCGACTTTACCCGCGCCTACGAACCCGACAGC[G>C]TTCTGCCTCTGGCCGATGGCGTGCTCAGCTTCATCCACCACCAGATCATCGAGCTGGCCC-3'
Protein context (NP_055790.1, residues 199-219): DFTRAYEPDS[Val209Leu]LPLADGVLSF

ClinVar aggregate classification (germline): Uncertain significance (1 of 4 stars; one submission).

Submission:

GeneDx
Classification: Uncertain significance. Last evaluated: 2022-12-20. Review status: criteria provided, single submitter. Criteria: GeneDx Variant Classification Process June 2021. Collection method: clinical testing. Allele origin: germline. Affected: yes.
Comment: Not observed at significant frequency in large population cohorts (gnomAD); In silico analysis supports that this missense variant has a deleterious effect on protein structure/function; Has not been previously published as pathogenic or benign to our knowledge